The following is an entry in ClinVar:

NM_002382.5(MAX):c.63+3A>G

Gene: MAX (MYC associated transcriptional regulator X; minus strand). Cytogenetic location: 14q23.3.
Variant type: single nucleotide variant.
Coding change: c.63+3A>G on transcript NM_002382.5 (MANE Select); 3 bases into the intron after coding-DNA position 63, A replaced by G.
Molecular consequence: intron variant.
Genome position (GRCh38, 1-based): chr14:65,101,543, T>C on the plus strand (A>G on the coding strand, the complement: MAX is on the minus strand). VCF-style: chr14-65101543-T-C. GRCh37 (hg19) VCF-style: chr14-65568261-T-C.
Other names: c.36+761A>G (NM_001271069.2, NM_001407095.1, NM_001407110.1 and 9 more transcripts); c.63+3A>G (NM_197957.4, NM_001407094.1, NM_001407104.1 and 6 more transcripts); c.-305+966A>G (NM_001407112.1); c.-212+3A>G (NM_001407106.1, NM_001320415.2, NM_001407105.1); c.-212+761A>G (NM_001407107.1); c.-305+3A>G (NM_001407111.1); c.86+3A>G (NM_001407114.1).
Identifiers: ClinVar variation 4825482 (VCV004825482.1).
Genomic context (GRCh38, chr14:65,101,543, plus strand): 5'-CTGACCCCAAAAAGGAATAGAACTGAACGGAAATAAAAATGAAATGGAGAGTAGGAGACG[T>C]ACCGCAGATTGAAACCTCGGTTGCTCTTCCTGGAATAAGAGAGAAAAAAAAAAATAGAAA-3'

ClinVar aggregate classification (germline): Uncertain significance (1 of 4 stars; one submission).

Conditions:
Hereditary cancer-predisposing syndrome. Also called: Neoplastic Syndromes, Hereditary; Tumor predisposition; Hereditary Cancer Syndrome; Hereditary neoplastic syndrome. Identifiers: Orphanet 140162, MedGen C0027672, MeSH D009386, MONDO:0015356.

gnomAD v4.1: 1 of 1,609,692 alleles (0.000062%); highest among the groups gnomAD compares: Non-Finnish European, 0.000085%; no homozygotes.

Submission:

Ambry Genetics
Classification: Uncertain significance for Hereditary cancer-predisposing syndrome. Last evaluated: 2026-02-27. Review status: criteria provided, single submitter. Criteria: Ambry Variant Classification Scheme 2023. Collection method: clinical testing. Allele origin: germline.
Comment: The c.63+3A>G intronic variant results from an A to G substitution 3 nucleotides after coding exon 2 in the MAX gene. This nucleotide position is highly conserved in available vertebrate species. In silico splice site analysis predicts that this alteration will not have any significant effect on splicing. RNA studies have demonstrated that this variant results in a transcript predicted to lead to a protein with an in-frame deletion of 9 amino acids; however, the exact functional impact of the deleted amino acids is unknown at this time (Ambry internal data). Based on the available evidence, the clinical significance of this variant remains unclear.